The following is an entry in ClinVar:

NM_016373.4(WWOX):c.1052C>T (p.Ser351Phe)

Gene: WWOX (WW domain containing oxidoreductase; plus strand). Cytogenetic location: 16q23.1.
Variant type: single nucleotide variant.
Coding change: c.1052C>T on transcript NM_016373.4 (MANE Select); coding-DNA position 1052, C replaced by T.
Protein change: p.Ser351Phe; replaces serine 351 with phenylalanine.
Molecular consequence: missense variant.
Genome position (GRCh38, 1-based): chr16:78,432,748, C>T. VCF-style: chr16-78432748-C-T. GRCh37 (hg19) VCF-style: chr16-78466645-C-T.
Other names: c.713C>T, p.Ser238Phe (NM_001291997.2); short protein forms S238F, S351F.
Identifiers: ClinVar variation 2104327 (VCV002104327.4), dbSNP rs2507632268, ClinGen allele CA396843536.

ClinVar aggregate classification (germline): Uncertain significance (1 of 4 stars; one submission).

Conditions:
Developmental and epileptic encephalopathy, 1 (DEE1). Also called: X-linked infantile spasms; West's syndrome; Tonic spasms with clustering, arrest of psychomotor development and hypsarrhythmia on EEG; X-Linked Infantile Spasm Syndrome; OHTAHARA SYNDROME, X-LINKED; INFANTILE SPASM SYNDROME, X-LINKED 1. Identifiers: MedGen C3463992, MONDO:0010632, OMIM 308350. Disease mechanism: loss of function.
Autosomal recessive spinocerebellar ataxia 12. Also called: SPINOCEREBELLAR ATAXIA WITH MENTAL RETARDATION AND EPILEPSY. Identifiers: Orphanet 284282, MedGen C3280452, MONDO:0013687, OMIM 614322.

Submission:

Labcorp Genetics (formerly Invitae), Labcorp
Classification: Uncertain significance for Developmental and epileptic encephalopathy, 1; Autosomal recessive spinocerebellar ataxia 12. Last evaluated: 2022-02-28. Review status: criteria provided, single submitter. Criteria: Invitae Variant Classification Sherloc (09022015). Collection method: clinical testing. Allele origin: germline.
Comment: In summary, the available evidence is currently insufficient to determine the role of this variant in disease. Therefore, it has been classified as a Variant of Uncertain Significance. Algorithms developed to predict the effect of missense changes on protein structure and function are either unavailable or do not agree on the potential impact of this missense change (SIFT: "Not Available"; PolyPhen-2: "Probably Damaging"; Align-GVGD: "Not Available"). This variant has not been reported in the literature in individuals affected with WWOX-related conditions. This variant is not present in population databases (gnomAD no frequency). This sequence change replaces serine, which is neutral and polar, with phenylalanine, which is neutral and non-polar, at codon 351 of the WWOX protein (p.Ser351Phe).